The following is an entry in ClinVar:

ClinVar aggregate classification (germline): Uncertain significance (1 of 4 stars; one submission).

Conditions:
MPI-congenital disorder of glycosylation. Also called: MPI DEFICIENCY; MANNOSEPHOSPHATE ISOMERASE DEFICIENCY; PROTEIN-LOSING ENTEROPATHY-HEPATIC FIBROSIS SYNDROME; MPI-CDG; CDG Ib; CONGENITAL DISORDER OF GLYCOSYLATION, TYPE Ib. Identifiers: Orphanet 79319, MedGen C1865145, MONDO:0011257, OMIM 602579.

Submission:

Labcorp Genetics (formerly Invitae), Labcorp
Classification: Uncertain significance for MPI-congenital disorder of glycosylation. Last evaluated: 2020-09-20. Review status: criteria provided, single submitter. Criteria: Invitae Variant Classification Sherloc (09022015). Collection method: clinical testing. Allele origin: germline.
Comment: This sequence change replaces leucine with proline at codon 121 of the MPI protein (p.Leu121Pro). The leucine residue is highly conserved and there is a moderate physicochemical difference between leucine and proline. This variant is not present in population databases (ExAC no frequency). This variant has not been reported in the literature in individuals with MPI-related disease. Algorithms developed to predict the effect of missense changes on protein structure and function are either unavailable or do not agree on the potential impact of this missense change (SIFT: "Deleterious"; PolyPhen-2: "Probably Damaging"; Align-GVGD: "Class C0"). In summary, the available evidence is currently insufficient to determine the role of this variant in disease. Therefore, it has been classified as a Variant of Uncertain Significance.

NM_002435.3(MPI):c.362T>C (p.Leu121Pro)

Gene: MPI (mannose phosphate isomerase; plus strand). Cytogenetic location: 15q24.1.
Variant type: single nucleotide variant.
Coding change: c.362T>C on transcript NM_002435.3 (MANE Select); coding-DNA position 362, T replaced by C.
Protein change: p.Leu121Pro; replaces leucine 121 with proline.
Molecular consequence: missense variant.
Genome position (GRCh38, 1-based): chr15:74,892,677, T>C. VCF-style: chr15-74892677-T-C. GRCh37 (hg19) VCF-style: chr15-75185018-T-C.
Other names: c.362T>C, p.Leu121Pro (NM_001289155.2, NM_001289157.2); c.212T>C, p.Leu71Pro (NM_001289156.2); c.302T>C, p.Leu101Pro (NM_001330372.2); short protein forms L121P, L71P, L101P.
Identifiers: ClinVar variation 2142612 (VCV002142612.1), dbSNP rs2505815561, ClinGen allele CA393173361.
Genomic context (GRCh38, chr15:74,892,677, plus strand): 5'-GGCTGTACCCTCACCATCCTCCTCTTCCCCTGGCCACCCCACAGGAGCTGGCAGAGAAGC[T>C]GCACCTCCAGGCTCCGCAGCACTACCCCGATGCCAACCACAAGCCAGAGATGGCCATTGC-3'
Protein context (NP_002426.1, residues 111-131): AHPNKELAEK[Leu121Pro]HLQAPQHYPD